The following is an entry in ClinVar:

ClinVar aggregate classification (germline): Likely pathogenic (1 of 4 stars; one submission).

Conditions:
Pulmonary hypertension, primary, 6 (PPH6). Identifiers: MedGen C5935600, MONDO:0958334, OMIM 620777.

gnomAD v4.1: 7 of 1,607,914 alleles (0.00044%); highest among the groups gnomAD compares: Non-Finnish European, 0.0006%; no homozygotes.

Submission:

First Genomix Gene Laboratory, Genetic Diagnostics Department
Classification: Likely pathogenic for Pulmonary hypertension, primary, 6. Last evaluated: 2025-05-29. Review status: criteria provided, single submitter. Criteria: ACMG Guidelines, 2015. Collection method: clinical testing. Allele origin: germline. Inheritance: Autosomal recessive inheritance. Affected: no. Observed: 1 variant allele.

NM_001749.4(CAPNS1):c.605-2A>C

Gene: CAPNS1 (calpain small subunit 1; plus strand). Cytogenetic location: 19q13.12.
Variant type: single nucleotide variant.
Coding change: c.605-2A>C on transcript NM_001749.4 (MANE Select); the canonical splice acceptor site of the intron before coding-DNA position 605, A replaced by C.
Molecular consequence: splice acceptor variant.
Genome position (GRCh38, 1-based): chr19:36,146,194, A>C. VCF-style: chr19-36146194-A-C. GRCh37 (hg19) VCF-style: chr19-36637096-A-C.
Other names: c.605-2A>C (NM_001302632.2, NM_001003962.3); c.269-2A>C (NM_001302633.2).
Identifiers: ClinVar variation 4849418 (VCV004849418.1).